The following is an entry in ClinVar:

ClinVar aggregate classification (germline): Likely benign. Review status: criteria provided, single submitter (1 of 4 stars). 2 submissions from 2 submitters: Likely benign (1). 1 of the submissions does not count toward it. Last evaluated 2023-12-14.

Conditions:
Inborn genetic diseases. Identifiers: MedGen C0950123, MeSH D030342.
NFIB-related disorder. Also called: NFIB-related condition.

Allele frequency attached by ClinVar (database versions not stated): ExAC 0.00020; TOPMed 0.00023; gnomAD 0.00028; 1000 Genomes Project 0.00040; 1000 Genomes Project 30x 0.00047.
gnomAD v4.1: 70 of 1,539,070 alleles (0.0045%); highest among the groups gnomAD compares: African/African-American, 0.089%; no homozygotes.

Submissions (2):

Ambry Genetics
Classification: Likely benign for Inborn genetic diseases. Last evaluated: 2023-12-14. Review status: criteria provided, single submitter. Criteria: Ambry Variant Classification Scheme 2023. Collection method: clinical testing. Allele origin: germline.

PreventionGenetics, part of Exact Sciences
Classification: Likely benign for NFIB-related condition. Last evaluated: 2022-03-18. Review status: no assertion criteria provided. Collection method: clinical testing. Allele origin: germline. Not counted in ClinVar's aggregate classification.
Comment: This variant is classified as likely benign based on ACMG/AMP sequence variant interpretation guidelines (Richards et al. 2015 PMID: 25741868, with internal and published modifications).

NM_001190737.2(NFIB):c.1292C>G (p.Thr431Ser)

Gene: NFIB (nuclear factor I B; minus strand). Cytogenetic location: 9p23.
Variant type: single nucleotide variant.
Coding change: c.1292C>G on transcript NM_001190737.2 (MANE Select); coding-DNA position 1292, C replaced by G.
Protein change: p.Thr431Ser; replaces threonine 431 with serine.
Molecular consequence: missense variant. On other transcripts: intron variant (18).
Genome position (GRCh38, 1-based): chr9:14,116,300, G>C on the plus strand (C>G on the coding strand, the complement: NFIB is on the minus strand). VCF-style: chr9-14116300-G-C. GRCh37 (hg19) VCF-style: chr9-14116299-G-C.
Other names: c.536C>G, p.Thr179Ser (NM_001282787.2); c.1358C>G, p.Thr453Ser (NM_001369458.1, NM_001369459.1); c.1280C>G, p.Thr427Ser (NM_001369460.1, NM_001369463.1); c.1292C>G, p.Thr431Ser (NM_001369461.1); c.1265C>G, p.Thr422Ser (NM_001369465.1); c.1055C>G, p.Thr352Ser (NM_001369470.1); c.1245+4140C>G (NM_005596.3, NM_001369464.1); c.1311+4140C>G (NM_001369468.1, NM_001369462.1); and 11 more; short protein forms T179S, T352S, T422S, T427S, T431S, T453S.
Identifiers: ClinVar variation 3054725 (VCV003054725.3), dbSNP rs539752814, ClinGen allele CA4988429.